The following is an entry in ClinVar:

NM_144699.4(ATP1A4):c.436G>A (p.Val146Ile)

Gene: ATP1A4 (ATPase Na+/K+ transporting subunit alpha 4; plus strand). Cytogenetic location: 1q23.2.
Variant type: single nucleotide variant.
Coding change: c.436G>A on transcript NM_144699.4 (MANE Select); coding-DNA position 436, G replaced by A.
Protein change: p.Val146Ile; replaces valine 146 with isoleucine.
Molecular consequence: missense variant.
Genome position (GRCh38, 1-based): chr1:160,156,069, G>A. VCF-style: chr1-160156069-G-A. GRCh37 (hg19) VCF-style: chr1-160125859-G-A.
Other names: short protein forms V146I.
Identifiers: ClinVar variation 4871998 (VCV004871998.2).

ClinVar aggregate classification (germline): Likely benign (1 of 4 stars; one submission).

gnomAD v4.1: 5,710 of 1,613,536 alleles (0.35%); highest among the groups gnomAD compares: Non-Finnish European, 0.45%; 14 homozygotes.

Submission:

CeGaT Center for Human Genetics Tuebingen
Classification: Likely benign. Last evaluated: 2026-04-01. Review status: criteria provided, single submitter. Criteria: CeGaT Center For Human Genetics Tuebingen Variant Classification Criteria Version 2. Collection method: clinical testing. Allele origin: germline. Affected: yes. Observed: 1 variant allele.
Comment: ATP1A4: BP4, BS2